The following is an entry in ClinVar:

NM_001291867.2(NHS):c.765_766dup (p.Leu256fs)

Gene: NHS (NHS actin remodeling regulator; plus strand). Cytogenetic location: Xp22.13.
Variant type: Duplication.
Coding change: c.765_766dup on transcript NM_001291867.2 (MANE Select); coding-DNA positions 765 to 766, 2 bases duplicated (CC; older notation c.765_766dupCC).
Protein change: p.Leu256fs; shifts the reading frame from leucine 256.
Molecular consequence: frameshift variant.
Genome position (GRCh38, 1-based): chrX:17,692,381-17,692,382, CC duplicated; duplicating any 2 consecutive bases within chrX:17,692,377-17,692,382 gives the same sequence; the c. name uses the placement nearest the transcript's 3' end. VCF-style (leftmost placement, unchanged base first): chrX-17692376-G-GCC. GRCh37 (hg19) VCF-style: chrX-17710496-G-GCC.
Other names: c.234_235dup, p.Leu79fs (NM_001136024.4, NM_001291868.2); c.426_427dup, p.Leu143fs (NM_001440780.1); c.765_766dup, p.Leu256fs (NM_198270.4); short protein forms L143fs, L256fs, L79fs.
Identifiers: ClinVar variation 4857209 (VCV004857209.1).
Genomic context (GRCh38, chrX:17,692,376, plus strand): 5'-TGCTTTTTCTCCTTCTCAGAACACCGGAGCCGGAGCGATCGCCGAGAGCAAAGAGCAGCT[G>GCC]CCCCCCTTTCCATTGCAGCTCCTCCACTGCCAGCCTACCCTCCAGCTCACAGCCAGAGGA-3'

ClinVar aggregate classification (germline): Likely pathogenic (1 of 4 stars; one submission).

Conditions:
Nance-Horan syndrome (NHS). Identifiers: Orphanet 627, MedGen C0796085, MONDO:0010545, OMIM 302350.

Submission:

Department of Human Genetics, Hannover Medical School
Classification: Likely pathogenic for Nance-Horan syndrome. Last evaluated: 2026-06-30. Review status: criteria provided, single submitter. Criteria: ACMG Guidelines, 2015. Collection method: clinical testing. Allele origin: germline. Affected: yes.
Comment: PVS1, PM2_Supporting